The following is an entry in ClinVar:

ClinVar aggregate classification (germline): Pathogenic (0 of 4 stars; one submission).

Conditions:
Alkaptonuria (AKU). Also called: Alkaptonuric ochronosis; Homogentisic acidura; Alcaptonuria; HOMOGENTISIC ACID OXIDASE DEFICIENCY. Identifiers: Orphanet 56, MedGen C0002066, MONDO:0008753, OMIM 203500.

gnomAD v4.1: 6 of 1,613,654 alleles (0.00037%); highest among the groups gnomAD compares: African/African-American, 0.0013%; no homozygotes.

Submission:

Department Of Human Genetics, Institute Of Clinical And Translational Research, Biomedical Research Center, Slovak Academy Of Sciences
Classification: Pathogenic for Alkaptonuria. Review status: no assertion criteria provided. Collection method: research. Allele origin: germline. Inheritance: Autosomal recessive inheritance. Affected: yes. Observed: 3 variant alleles.
Comment: The variant was originally described in AKU patient in PMID:30737480. It has been submitted to the HGD gene mutation database (DB-ID: AKU_00191).

Literature cited by the submitters: PubMed 30737480.

NM_000187.4(HGD):c.990G>C (p.Arg330Ser)

Gene: HGD (homogentisate 1,2-dioxygenase; minus strand). Cytogenetic location: 3q13.33.
Variant type: single nucleotide variant.
Coding change: c.990G>C on transcript NM_000187.4 (MANE Select); coding-DNA position 990, G replaced by C.
Protein change: p.Arg330Ser; replaces arginine 330 with serine.
Molecular consequence: missense variant.
Genome position (GRCh38, 1-based): chr3:120,638,471, C>G on the plus strand (G>C on the coding strand, the complement: HGD is on the minus strand). VCF-style: chr3-120638471-C-G. GRCh37 (hg19) VCF-style: chr3-120357318-C-G.
Other names: short protein forms R330S.
Identifiers: ClinVar variation 2627717 (VCV002627717.1), dbSNP rs120074171, ClinGen allele CA354073338.